The following is an entry in ClinVar:

NM_001606.5(ABCA2):c.2517G>T (p.Ala839=)

Gene: ABCA2 (ATP binding cassette subfamily A member 2; minus strand). Cytogenetic location: 9q34.3.
Variant type: single nucleotide variant.
Coding change: c.2517G>T on transcript NM_001606.5 (MANE Select); coding-DNA position 2517, G replaced by T.
Protein change: p.Ala839=; no amino-acid change (alanine 839 retained).
Molecular consequence: synonymous variant.
Genome position (GRCh38, 1-based): chr9:137,017,232, C>A on the plus strand (G>T on the coding strand, the complement: ABCA2 is on the minus strand). VCF-style: chr9-137017232-C-A. GRCh37 (hg19) VCF-style: chr9-139911684-C-A.
Other names: c.2514G>T, p.Ala838= (NM_001411042.1); c.2607G>T, p.Ala869= (NM_212533.3).
Identifiers: ClinVar variation 4084200 (VCV004084200.9).

ClinVar aggregate classification (germline): Likely benign. Review status: criteria provided, multiple submitters, no conflicts (2 of 4 stars). 2 submissions from 2 submitters: Likely benign (2). Last evaluated 2025-07-01.

gnomAD v4.1: 15 of 1,612,508 alleles (0.00093%); highest among the groups gnomAD compares: Middle Eastern, 0.033%; no homozygotes.

Submissions (2):

CeGaT Center for Human Genetics Tuebingen
Classification: Likely benign. Last evaluated: 2025-07-01. Review status: criteria provided, single submitter. Criteria: CeGaT Center For Human Genetics Tuebingen Variant Classification Criteria Version 2. Collection method: clinical testing. Allele origin: germline. Affected: yes. Observed: 1 variant allele.
Comment: ABCA2: BP4, BP7

Blueprint Genetics
Classification: Likely benign. Last evaluated: 2024-02-20. Review status: criteria provided, single submitter. Criteria: ACMG Guidelines, 2015. Collection method: clinical testing. Allele origin: germline.